The following is an entry in ClinVar:

ClinVar aggregate classification (germline): Benign/Likely benign. Review status: criteria provided, multiple submitters, no conflicts (2 of 4 stars). 5 submissions from 5 submitters: Benign (4); Likely benign (1). Last evaluated 2026-04-06.

Conditions:
Spondyloenchondrodysplasia with immune dysregulation (SPENCDI). Also called: ROIFMAN IMMUNOSKELETAL SYNDROME; SPONDYLOENCHONDRODYSPLASIA WITH OR WITHOUT IMMUNE DYSREGULATION; COMBINED IMMUNODEFICIENCY WITH AUTOIMMUNITY AND SPONDYLOMETAPHYSEAL DYSPLASIA. Identifiers: Orphanet 1855, MedGen C1842763, MONDO:0011939, OMIM 607944.

Allele frequency attached by ClinVar (database versions not stated): ESP Exome Variant Server 0.00085; gnomAD 0.00128 and 0.00156; TOPMed 0.00149; gnomAD exomes 0.00157 and 0.00248; 1000 Genomes Project 0.00180; 1000 Genomes Project 30x 0.00250; ExAC 0.00267.
gnomAD v4.1: 2,528 of 1,614,234 alleles (0.16%); highest among the groups gnomAD compares: South Asian, 1.3%; 22 homozygotes.

Submissions (5):

Women's Health and Genetics/Laboratory Corporation of America, LabCorp
Classification: Benign. Last evaluated: 2026-04-06. Review status: criteria provided, single submitter. Criteria: LabCorp Variant Classification Summary - May 2015. Collection method: clinical testing. Allele origin: germline.

Labcorp Genetics (formerly Invitae), Labcorp
Classification: Benign for Spondyloenchondrodysplasia with immune dysregulation. Last evaluated: 2026-01-26. Review status: criteria provided, single submitter. Criteria: Invitae Variant Classification Sherloc (09022015). Collection method: clinical testing. Allele origin: germline.

CeGaT Center for Human Genetics Tuebingen
Classification: Benign. Last evaluated: 2025-07-01. Review status: criteria provided, single submitter. Criteria: CeGaT Center For Human Genetics Tuebingen Variant Classification Criteria Version 2. Collection method: clinical testing. Allele origin: germline. Affected: yes. Observed: 3 variant alleles.
Comment: ACP5: BP4, BP7, BS1, BS2

Blueprint Genetics
Classification: Likely benign. Last evaluated: 2024-11-26. Review status: criteria provided, single submitter. Criteria: ACMG Guidelines, 2015. Collection method: clinical testing. Allele origin: germline.

Breakthrough Genomics
Classification: Benign. Review status: criteria provided, single submitter. Criteria: ACMG Guidelines, 2015. Collection method: not provided. Allele origin: germline. Inheritance: Autosomal recessive inheritance. Affected: yes.

NM_001611.5(ACP5):c.861C>T (p.Asp287=)

Gene: ACP5 (acid phosphatase 5, tartrate resistant; minus strand). Cytogenetic location: 19p13.2.
Variant type: single nucleotide variant.
Coding change: c.861C>T on transcript NM_001611.5 (MANE Select); coding-DNA position 861, C replaced by T.
Protein change: p.Asp287=; no amino-acid change (aspartic acid 287 retained).
Molecular consequence: synonymous variant.
Genome position (GRCh38, 1-based): chr19:11,575,127, G>A on the plus strand (C>T on the coding strand, the complement: ACP5 is on the minus strand). VCF-style: chr19-11575127-G-A. GRCh37 (hg19) VCF-style: chr19-11685942-G-A.
Other names: c.861C>T, p.Asp287= (LRG_1218t1, NM_001111034.3, NM_001111035.3 and 2 more transcripts).
Identifiers: ClinVar variation 533475 (VCV000533475.25), dbSNP rs147115345, ClinGen allele CA9215301.